The following is an entry in ClinVar:

ClinVar aggregate classification (germline): Uncertain significance. Review status: criteria provided, multiple submitters, no conflicts (2 of 4 stars). 2 submissions from 2 submitters: Uncertain significance (2). Last evaluated 2026-08-06.

Conditions:
Otofacial neurodevelopmental syndrome. Identifiers: MedGen C5935642, MONDO:0975705, OMIM 620910.

Allele frequency attached by ClinVar (database versions not stated): ExAC 0.00006; gnomAD exomes 0.00009; TOPMed 0.00011; gnomAD 0.00012; 1000 Genomes Project 30x 0.00016; 1000 Genomes Project 0.00020.

Submissions (2):

OLLIN Analises Genomicas, OLLIN
Classification: Uncertain significance for Otofacial neurodevelopmental syndrome. Last evaluated: 2026-08-06. Review status: criteria provided, single submitter. Criteria: ACMG Guidelines 2015 PMID 25741868. Collection method: clinical testing. Allele origin: germline.
Comment: This missense variant, located in exon 6 (of 6), has been reported in ClinVar (accession VCV002381146.3) and in gnomAD with an allele frequency of 0.0097%. However, to our knowledge, it has not been reported in the scientific literature. In silico analysis predicts that this variant has a tolerated effect. According to the currently available evidence, this variant has been classified as uncertain significance (PM2_P, BP4_M).

Ambry Genetics
Classification: Uncertain significance. Last evaluated: 2025-08-19. Review status: criteria provided, single submitter. Criteria: Ambry Variant Classification Scheme 2023. Collection method: clinical testing. Allele origin: germline.

NM_032805.3(ZSCAN10):c.841G>A (p.Gly281Arg)

Gene: ZSCAN10 (zinc finger and SCAN domain containing 10; minus strand). Cytogenetic location: 16p13.3.
Variant type: single nucleotide variant.
Coding change: c.841G>A on transcript NM_032805.3 (MANE Select); coding-DNA position 841, G replaced by A.
Protein change: p.Gly281Arg; replaces glycine 281 with arginine.
Molecular consequence: missense variant. On other transcripts: 5 prime UTR variant (2).
Genome position (GRCh38, 1-based): chr16:3,090,593, C>T on the plus strand (G>A on the coding strand, the complement: ZSCAN10 is on the minus strand). VCF-style: chr16-3090593-C-T. GRCh37 (hg19) VCF-style: chr16-3140594-C-T.
Other names: c.-342G>A (NM_001282415.2, NM_001365273.1); c.430G>A, p.Gly144Arg (NM_001282416.2); c.295G>A, p.Gly99Arg (NM_001365272.1); short protein forms G144R, G281R, G99R.
Identifiers: ClinVar variation 2381146 (VCV002381146.4), dbSNP rs200881850, ClinGen allele CA7857586.
Genomic context (GRCh38, chr16:3,090,593, plus strand): 5'-CCGGCACCCCAGGACTATCTGCCTGGGACTCTGCTAAGATGGGAGTGGGCCAGGCAGCCC[C>T]TTTGGGCTCTTCTTGTTTAAATTCCTCCTTGTCTGGGGTTCTGCTTCCGAATCCTGGGAA-3'
Protein context (NP_116194.2, residues 271-291): KEEFKQEEPK[Gly281Arg]AAWPTPILAE